The following is an entry in ClinVar:

ClinVar aggregate classification (germline): Uncertain significance (1 of 4 stars; one submission).

Conditions:
Houge-Janssens syndrome 2. Also called: Microcephaly-corpus callosum hypoplasia-intellectual disability-facial dysmorphism syndrome; INTELLECTUAL DEVELOPMENTAL DISORDER, AUTOSOMAL DOMINANT 36; PPP2R1A-Related Neurodevelopmental Disorder. Identifiers: Orphanet 457284, MedGen C4225352, MONDO:0014605, OMIM 616362.

Allele frequency attached by ClinVar (database versions not stated): gnomAD exomes below 0.00001.
gnomAD v4.1: 1 of 1,548,132 alleles (0.000065%); highest among the groups gnomAD compares: South Asian, 0.0012%; no homozygotes.

Submission:

Baylor Genetics
Classification: Uncertain significance for Houge-Janssens syndrome 2. Last evaluated: 2019-07-12. Review status: criteria provided, single submitter. Criteria: ACMG Guidelines, 2015. Collection method: clinical testing. Allele origin: unknown. Affected: yes.
Comment: This variant was determined to be of uncertain significance according to ACMG Guidelines, 2015 [PMID:25741868].

NM_014225.6(PPP2R1A):c.15C>G (p.Asp5Glu)

Gene: PPP2R1A (protein phosphatase 2 scaffold subunit Aalpha; plus strand). Cytogenetic location: 19q13.41.
Variant type: single nucleotide variant.
Coding change: c.15C>G on transcript NM_014225.6 (MANE Select); coding-DNA position 15, C replaced by G.
Protein change: p.Asp5Glu; replaces aspartic acid 5 with glutamic acid.
Molecular consequence: missense variant. On other transcripts: non-coding transcript variant (1).
Genome position (GRCh38, 1-based): chr19:52,190,111, C>G. VCF-style: chr19-52190111-C-G. GRCh37 (hg19) VCF-style: chr19-52693364-C-G.
Other names: short protein forms D5E.
Identifiers: ClinVar variation 1029258 (VCV001029258.1), dbSNP rs2089438141, ClinGen allele CA407178434.